The following is an entry in ClinVar:

ClinVar aggregate classification (germline): Uncertain significance. Review status: criteria provided, multiple submitters, no conflicts (2 of 4 stars). 2 submissions from 2 submitters: Uncertain significance (2). Last evaluated 2021-10-27.

Conditions:
Inborn genetic diseases. Identifiers: MedGen C0950123, MeSH D030342.
Parkinsonism-dystonia, infantile. Identifiers: Orphanet 238455, MedGen C2751067, MONDO:0013150.

Allele frequency attached by ClinVar (database versions not stated): gnomAD exomes below 0.00001.
gnomAD v4.1: 1 of 1,614,186 alleles (0.000062%); highest among the groups gnomAD compares: Non-Finnish European, 0.000085%; no homozygotes.

Submissions (2):

Ambry Genetics
Classification: Uncertain significance for Inborn genetic diseases. Last evaluated: 2021-10-27. Review status: criteria provided, single submitter. Criteria: Ambry Variant Classification Scheme 2023. Collection method: clinical testing. Allele origin: germline.

Labcorp Genetics (formerly Invitae), Labcorp
Classification: Uncertain significance for Parkinsonism-dystonia, infantile. Last evaluated: 2021-07-29. Review status: criteria provided, single submitter. Criteria: Invitae Variant Classification Sherloc (09022015). Collection method: clinical testing. Allele origin: germline.
Comment: In summary, the available evidence is currently insufficient to determine the role of this variant in disease. Therefore, it has been classified as a Variant of Uncertain Significance. Algorithms developed to predict the effect of missense changes on protein structure and function are either unavailable or do not agree on the potential impact of this missense change (SIFT: "Deleterious"; PolyPhen-2: "Benign"; Align-GVGD: "Class C0"). This variant has not been reported in the literature in individuals affected with SLC6A3-related conditions. This variant is not present in population databases (ExAC no frequency). This sequence change replaces valine with glycine at codon 24 of the SLC6A3 protein (p.Val24Gly). The valine residue is weakly conserved and there is a moderate physicochemical difference between valine and glycine.

NM_001044.5(SLC6A3):c.71T>G (p.Val24Gly)

Gene: SLC6A3 (solute carrier family 6 member 3). Cytogenetic location: 5p15.33.
Variant type: single nucleotide variant.
Coding change: c.71T>G on transcript NM_001044.5 (MANE Select); coding-DNA position 71, T replaced by G.
Protein change: p.Val24Gly; replaces valine 24 with glycine.
Molecular consequence: missense variant.
Genome position (GRCh38, 1-based): chr5:1,443,127, A>C on the plus strand (T>G on the coding strand, the complement: SLC6A3 is on the minus strand). VCF-style: chr5-1443127-A-C. GRCh37 (hg19) VCF-style: chr5-1443242-A-C.
Other names: c.71T>G (NM_001044.4); short protein forms V24G.
Identifiers: ClinVar variation 1357968 (VCV001357968.7), dbSNP rs2126415795, ClinGen allele CA359065287.